The following is an entry in ClinVar:

NM_015272.5(RPGRIP1L):c.3175T>C (p.Ser1059Pro)

Gene: RPGRIP1L (RPGRIP1 like; minus strand). Cytogenetic location: 16q12.2.
Variant type: single nucleotide variant.
Coding change: c.3175T>C on transcript NM_015272.5 (MANE Select); coding-DNA position 3175, T replaced by C.
Protein change: p.Ser1059Pro; replaces serine 1059 with proline.
Molecular consequence: missense variant.
Genome position (GRCh38, 1-based): chr16:53,637,740, A>G on the plus strand (T>C on the coding strand, the complement: RPGRIP1L is on the minus strand). VCF-style: chr16-53637740-A-G. GRCh37 (hg19) VCF-style: chr16-53671652-A-G.
Other names: c.3073T>C, p.Ser1025Pro (NM_001127897.4, NM_001330538.2); c.3175T>C, p.Ser1059Pro (NM_001308334.3); short protein forms S1025P, S1059P.
Identifiers: ClinVar variation 1942779 (VCV001942779.5), dbSNP rs2543988474, ClinGen allele CA395926223.
Genomic context (GRCh38, chr16:53,637,740, plus strand): 5'-AAATAAGAAAGTCACCTTCTGGTTCCAAGTCCTCTGTTATTTCTGTTTCATCTTCAGAAG[A>G]TGCCAAGCTTTGTTCTGCAAGCTGACCTTCAGATAGTAAAGACACATCATCTTTTCCTTG-3'
Protein context (NP_056087.2, residues 1049-1069): EGQLAEQSLA[Ser1059Pro]SEDETEITED

ClinVar aggregate classification (germline): Uncertain significance (1 of 4 stars; one submission).

Conditions:
Joubert syndrome. Also called: CEREBELLOPARENCHYMAL DISORDER IV; JOUBERT-BOLTSHAUSER SYNDROME; Familial aplasia of the vermis. Identifiers: Orphanet 475, MedGen C5979921, MONDO:0018772.
Meckel-Gruber syndrome. Also called: DYSENCEPHALIA SPLANCHNOCYSTICA; GRUBER SYNDROME; Dysencephalia splachnocystica. Identifiers: Orphanet 564, MedGen C0265215, MONDO:0018921.

gnomAD v4.1: 1 of 1,612,312 alleles (0.000062%); no homozygotes.

Submission:

Labcorp Genetics (formerly Invitae), Labcorp
Classification: Uncertain significance for Joubert syndrome; Meckel-Gruber syndrome. Last evaluated: 2022-09-12. Review status: criteria provided, single submitter. Criteria: Invitae Variant Classification Sherloc (09022015). Collection method: clinical testing. Allele origin: germline.
Comment: In summary, the available evidence is currently insufficient to determine the role of this variant in disease. Therefore, it has been classified as a Variant of Uncertain Significance. Advanced modeling of protein sequence and biophysical properties (such as structural, functional, and spatial information, amino acid conservation, physicochemical variation, residue mobility, and thermodynamic stability) performed at Invitae indicates that this missense variant is not expected to disrupt RPGRIP1L protein function. This variant has not been reported in the literature in individuals affected with RPGRIP1L-related conditions. This variant is not present in population databases (gnomAD no frequency). This sequence change replaces serine, which is neutral and polar, with proline, which is neutral and non-polar, at codon 1059 of the RPGRIP1L protein (p.Ser1059Pro).